The following is an entry in ClinVar:

ClinVar aggregate classification (germline): Uncertain significance. Review status: criteria provided, multiple submitters, no conflicts (2 of 4 stars). 2 submissions from 2 submitters: Uncertain significance (2). Last evaluated 2025-07-21.

Allele frequency attached by ClinVar (database versions not stated): TOPMed below 0.00001; gnomAD 0.00001; ExAC 0.00003.

Submissions (2):

Labcorp Genetics (formerly Invitae), Labcorp
Classification: Uncertain significance. Last evaluated: 2025-07-21. Review status: criteria provided, single submitter. Criteria: Invitae Variant Classification Sherloc (09022015). Collection method: clinical testing. Allele origin: germline.
Comment: This sequence change replaces arginine, which is basic and polar, with cysteine, which is neutral and slightly polar, at codon 20 of the GEN1 protein (p.Arg20Cys). This variant is present in population databases (rs778434447, gnomAD 0.05%). This variant has not been reported in the literature in individuals affected with GEN1-related conditions. ClinVar contains an entry for this variant (Variation ID: 1058233). An algorithm developed to predict the effect of missense changes on protein structure and function outputs the following: PolyPhen-2: "Benign". The cysteine amino acid residue is found in multiple mammalian species, which suggests that this missense change does not adversely affect protein function. In summary, the available evidence is currently insufficient to determine the role of this variant in disease. Therefore, it has been classified as a Variant of Uncertain Significance.

Ambry Genetics
Classification: Uncertain significance. Last evaluated: 2024-12-08. Review status: criteria provided, single submitter. Criteria: Ambry Variant Classification Scheme 2023. Collection method: clinical testing. Allele origin: germline.
Comment: The p.R20C variant (also known as c.58C>T), located in coding exon 1 of the GEN1 gene, results from a C to T substitution at nucleotide position 58. The arginine at codon 20 is replaced by cysteine, an amino acid with highly dissimilar properties. This amino acid position is conserved. In addition, this alteration is predicted to be tolerated by in silico analysis. Based on the available evidence, the clinical significance of this variant remains unclear.

NM_001130009.3(GEN1):c.58C>T (p.Arg20Cys)

Gene: GEN1 (GEN1 structure-specific endonuclease; plus strand). Cytogenetic location: 2p24.2.
Variant type: single nucleotide variant.
Coding change: c.58C>T on transcript NM_001130009.3 (MANE Select); coding-DNA position 58, C replaced by T.
Protein change: p.Arg20Cys; replaces arginine 20 with cysteine.
Molecular consequence: missense variant.
Genome position (GRCh38, 1-based): chr2:17,760,001, C>T. VCF-style: chr2-17760001-C-T. GRCh37 (hg19) VCF-style: chr2-17941268-C-T.
Other names: c.58C>T, p.Arg20Cys (NM_182625.5); c.58C>T (NM_001130009.1); short protein forms R20C.
Identifiers: ClinVar variation 1058233 (VCV001058233.11), dbSNP rs778434447, ClinGen allele CA1540298.